The following is an entry in ClinVar:

NM_006513.4(SARS1):c.1152G>A (p.Pro384=)

Gene: SARS1 (seryl-tRNA synthetase 1; plus strand). Cytogenetic location: 1p13.3.
Variant type: single nucleotide variant.
Coding change: c.1152G>A on transcript NM_006513.4 (MANE Select); coding-DNA position 1152, G replaced by A.
Protein change: p.Pro384=; no amino-acid change (proline 384 retained).
Molecular consequence: synonymous variant.
Genome position (GRCh38, 1-based): chr1:109,236,443, G>A. VCF-style: chr1-109236443-G-A. GRCh37 (hg19) VCF-style: chr1-109779065-G-A.
Other names: c.1152G>A, p.Pro384= (NM_001330669.1).
Identifiers: ClinVar variation 3389039 (VCV003389039.14).
Genomic context (GRCh38, chr1:109,236,443, plus strand): 5'-CCTTACAGGTTCTTTGAATCATGCTGCCAGTAAGAAGCTTGACCTGGAGGCCTGGTTTCC[G>A]GGCTCAGGAGCCTTCCGTGAGTTGGTCTCCTGTTCTAATTGCACGGATTACCAGGCTCGC-3'
Protein context (NP_006504.2, residues 374-394): SKKLDLEAWF[Pro384=]GSGAFRELVS

ClinVar aggregate classification (germline): Likely benign (1 of 4 stars; one submission).

gnomAD v4.1: 157 of 1,600,940 alleles (0.0098%); highest among the groups gnomAD compares: Non-Finnish European, 0.012%; no homozygotes.

Submission:

CeGaT Center for Human Genetics Tuebingen
Classification: Likely benign. Last evaluated: 2024-11-01. Review status: criteria provided, single submitter. Criteria: CeGaT Center For Human Genetics Tuebingen Variant Classification Criteria Version 2. Collection method: clinical testing. Allele origin: germline. Affected: yes. Observed: 1 variant allele.
Comment: SARS1: BP4, BP7